The following is an entry in ClinVar:

ClinVar aggregate classification (germline): Uncertain significance. Review status: criteria provided, multiple submitters, no conflicts (2 of 4 stars). 5 submissions from 5 submitters: Uncertain significance (5). Last evaluated 2025-11-05.

Conditions:
Otosclerosis 12. Identifiers: MedGen C5935610, MONDO:0968980, OMIM 620792.
Rhabdoid tumor predisposition syndrome 2 (RTPS2). Identifiers: Orphanet 231108, Orphanet 69077, MedGen C2750074, MONDO:0013224, OMIM 613325.
Intellectual disability, autosomal dominant 16 (CSS4). Also called: COFFIN-SIRIS SYNDROME 4. Identifiers: Orphanet 1465, MedGen C3553249, MONDO:0013821, OMIM 614609.
Hereditary cancer-predisposing syndrome. Also called: Hereditary neoplastic syndrome; Tumor predisposition; Neoplastic Syndromes, Hereditary; Hereditary Cancer Syndrome. Identifiers: Orphanet 140162, MedGen C0027672, MeSH D009386, MONDO:0015356.

Submissions (5):

Labcorp Genetics (formerly Invitae), Labcorp
Classification: Uncertain significance for Rhabdoid tumor predisposition syndrome 2. Last evaluated: 2025-11-05. Review status: criteria provided, single submitter. Criteria: Invitae Variant Classification Sherloc (09022015). Collection method: clinical testing. Allele origin: germline.
Comment: This variant, c.1759_1761del, results in the deletion of 1 amino acid(s) of the SMARCA4 protein (p.Lys588del), but otherwise preserves the integrity of the reading frame. This variant is not present in population databases (gnomAD no frequency). This variant has not been reported in the literature in individuals affected with SMARCA4-related conditions. ClinVar contains an entry for this variant (Variation ID: 470256). Experimental studies and prediction algorithms are not available or were not evaluated, and the functional significance of this variant is currently unknown. In summary, the available evidence is currently insufficient to determine the role of this variant in disease. Therefore, it has been classified as a Variant of Uncertain Significance.

Ambry Genetics
Classification: Uncertain significance for Hereditary cancer-predisposing syndrome. Last evaluated: 2024-06-06. Review status: criteria provided, single submitter. Criteria: Ambry Variant Classification Scheme 2023. Collection method: clinical testing. Allele origin: germline.
Comment: The c.1759_1761delAAG variant (also known as p.K588del) is located in coding exon 9 of the SMARCA4 gene. This variant results from an in-frame AAG deletion at nucleotide positions 1759 to 1761. This results in the in-frame deletion of a lysine at codon 588. However, this change involves the last codon of coding exon 9, which makes it likely to have some effect on normal mRNA splicing. In silico splice site analysis predicts that this alteration will weaken the native splice donor site and will result in the creation or strengthening of a novel splice donor site. RNA studies have demonstrated that this alteration results in a transcript predicted to lead to a protein with an in-frame deletion of one amino acid; however, the exact functional impact of the deleted amino acid is unknown at this time (Ambry internal data). This nucleotide position is well conserved in available vertebrate species, and this amino acid position is highly conserved in available vertebrate species. In addition, the in silico prediction for this alteration is inconclusive for protein impact (Choi Y et al. PLoS ONE. 2012; 7(10):e46688). Based on the available evidence, the clinical significance of this variant remains unclear.

Baylor Genetics
Classification: Uncertain significance for Rhabdoid tumor predisposition syndrome 2. Last evaluated: 2023-08-20. Review status: criteria provided, single submitter. Criteria: ACMG Guidelines, 2015. Collection method: clinical testing. Allele origin: unknown.

Revvity Omics, Revvity
Classification: Uncertain significance for Intellectual disability, autosomal dominant 16. Last evaluated: 2022-06-15. Review status: criteria provided, single submitter. Criteria: ACMG Guidelines, 2015. Collection method: clinical testing. Allele origin: germline.

Juno Genomics, Hangzhou Juno Genomics, Inc
Classification: Uncertain significance for Otosclerosis 12; Rhabdoid tumor predisposition syndrome 2; Intellectual disability, autosomal dominant 16. Review status: criteria provided, single submitter. Criteria: ACMG Guidelines, 2015. Collection method: clinical testing. Allele origin: germline.
Comment: Absent from controls (or at extremely low frequency if recessive) in Genome Aggregation Database.;Protein length changes due to in-frame deletions/insertions in a non-repeat region or stop-loss variants.

NM_003072.5(SMARCA4):c.1756AAG[2] (p.Lys588del)

Gene: SMARCA4 (SWI/SNF related BAF chromatin remodeling complex subunit ATPase 4; plus strand). Cytogenetic location: 19p13.2.
Variant type: Microsatellite.
Coding change: c.1756AAG[2] on transcript NM_003072.5 (MANE Select); two copies in a row of the 3-base unit AAG starting at c.1756.
Protein change: p.Lys588del; deletes lysine 588.
Molecular consequence: inframe deletion. On other transcripts: non-coding transcript variant (1).
Genome position: GRCh38 VCF-style: chr19-10996374-AAAG-A. GRCh37 (hg19) VCF-style: chr19-11107050-AAAG-A.
Other names: c.1759_1761del (NM_001128849.2, NM_001128849.1, NM_003072.5); c.1756AAG[2], p.Lys588del (NM_001128844.3, NM_001128845.2, NM_001128846.2 and 5 more transcripts); short protein forms K588del.
Identifiers: ClinVar variation 470256 (VCV000470256.19), dbSNP rs1429065030, ClinGen allele CA645615763.